The following is an entry in ClinVar:

ClinVar aggregate classification (germline): Uncertain significance. Review status: criteria provided, multiple submitters, no conflicts (2 of 4 stars). 5 submissions from 5 submitters: Uncertain significance (5). Last evaluated 2025-09-11.

Conditions:
Hereditary cancer-predisposing syndrome. Also called: Hereditary Cancer Syndrome; Neoplastic Syndromes, Hereditary; Tumor predisposition; Hereditary neoplastic syndrome. Identifiers: Orphanet 140162, MedGen C0027672, MeSH D009386, MONDO:0015356.
Tuberous sclerosis syndrome (TSC). Also called: Tuberous sclerosis; Tuberous Sclerosis Complex. Identifiers: Orphanet 805, MedGen C0041341, MONDO:0001734.
Tuberous sclerosis 1 (TSC1). Identifiers: Orphanet 805, MedGen C1854465, MONDO:0008612, OMIM 191100.

Allele frequency attached by ClinVar (database versions not stated): gnomAD exomes below 0.00001.
gnomAD v4.1: 2 of 1,613,792 alleles (0.00012%); highest among the groups gnomAD compares: Non-Finnish European, 0.000085%; no homozygotes.

Submissions (5):

Color Diagnostics, LLC DBA Color Health
Classification: Uncertain significance for Tuberous sclerosis syndrome. Last evaluated: 2025-09-11. Review status: criteria provided, single submitter. Criteria: ACMG Guidelines, 2015. Collection method: clinical testing. Allele origin: germline.
Comment: This missense variant replaces lysine with glutamic acid at codon 70 of the TSC1 protein. Computational prediction suggests that this variant may have deleterious impact on protein structure and function. To our knowledge, functional studies have not been reported for this variant. This variant has not been reported in individuals affected with TSC1-related disorders in the literature. This variant has not been identified in the general population by the Genome Aggregation Database (gnomAD). The available evidence is insufficient to determine the role of this variant in disease conclusively. Therefore, this variant is classified as a Variant of Uncertain Significance.

Ambry Genetics
Classification: Uncertain significance for Hereditary cancer-predisposing syndrome. Last evaluated: 2025-01-16. Review status: criteria provided, single submitter. Criteria: Ambry Variant Classification Scheme 2023. Collection method: clinical testing. Allele origin: germline.
Comment: The p.K70E variant (also known as c.208A>G), located in coding exon 2 of the TSC1 gene, results from an A to G substitution at nucleotide position 208. The lysine at codon 70 is replaced by glutamic acid, an amino acid with similar properties. This variant was detected in multiple individuals with no reported features of Tuberous sclerosis complex (Ambry internal data). This amino acid position is highly conserved in available vertebrate species. In addition, this alteration is predicted to be deleterious by in silico analysis. Based on the available evidence, the clinical significance of this variant remains unclear.

Labcorp Genetics (formerly Invitae), Labcorp
Classification: Uncertain significance for Tuberous sclerosis 1. Last evaluated: 2024-04-10. Review status: criteria provided, single submitter. Criteria: Invitae Variant Classification Sherloc (09022015). Collection method: clinical testing. Allele origin: germline.
Comment: This sequence change replaces lysine, which is basic and polar, with glutamic acid, which is acidic and polar, at codon 70 of the TSC1 protein (p.Lys70Glu). This variant is not present in population databases (gnomAD no frequency). This variant has not been reported in the literature in individuals affected with TSC1-related conditions. ClinVar contains an entry for this variant (Variation ID: 230911). An algorithm developed to predict the effect of missense changes on protein structure and function (PolyPhen-2) suggests that this variant is likely to be disruptive. In summary, the available evidence is currently insufficient to determine the role of this variant in disease. Therefore, it has been classified as a Variant of Uncertain Significance.

GeneDx
Classification: Uncertain significance. Last evaluated: 2023-07-17. Review status: criteria provided, single submitter. Criteria: GeneDx Variant Classification Process June 2021. Collection method: clinical testing. Allele origin: germline. Affected: yes.
Comment: Not observed at significant frequency in large population cohorts (gnomAD); In silico analysis supports that this missense variant has a deleterious effect on protein structure/function; Has not been previously published as pathogenic or benign to our knowledge

Genome-Nilou Lab
Classification: Uncertain significance for Tuberous sclerosis 1. Last evaluated: 2021-11-07. Review status: criteria provided, single submitter. Criteria: ACMG Guidelines, 2015. Collection method: clinical testing. Allele origin: germline. Affected: no.

NM_000368.5(TSC1):c.208A>G (p.Lys70Glu)

Gene: TSC1 (TSC complex subunit 1; minus strand). Cytogenetic location: 9q34.13.
Variant type: single nucleotide variant.
Coding change: c.208A>G on transcript NM_000368.5 (MANE Select); coding-DNA position 208, A replaced by G.
Protein change: p.Lys70Glu; replaces lysine 70 with glutamic acid.
Molecular consequence: missense variant. On other transcripts: intron variant (1).
Genome position (GRCh38, 1-based): chr9:132,927,203, T>C on the plus strand (A>G on the coding strand, the complement: TSC1 is on the minus strand). VCF-style: chr9-132927203-T-C. GRCh37 (hg19) VCF-style: chr9-135802590-T-C.
Other names: c.208A>G, p.Lys70Glu (NM_001162426.2, NM_001162427.2); c.-153-1464A>G (NM_001362177.2); short protein forms K70E.
Identifiers: ClinVar variation 230911 (VCV000230911.17), dbSNP rs876658838, ClinGen allele CA10578832.
Genomic context (GRCh38, chr9:132,927,203, plus strand): 5'-CAGAAGCTGTTGTACTCATGAAGAACATATGAAATGCCTATGATATTTCAGCCATTACCT[T>C]GTCATGTGGCTCTTGCAAGGTGGTCAGGATGTGCAATGCCGGCTGAGAGCTGGTTTCCAG-3'
Protein context (NP_000359.1, residues 60-80): ILTTLQEPHD[Lys70Glu]HLLDRINEYV